The following is an entry in ClinVar:

NM_001061.7(TBXAS1):c.965T>C (p.Met322Thr)

Gene: TBXAS1 (thromboxane A synthase 1; plus strand). Cytogenetic location: 7q34.
Variant type: single nucleotide variant.
Coding change: c.965T>C on transcript NM_001061.7 (MANE Select); coding-DNA position 965, T replaced by C.
Protein change: p.Met322Thr; replaces methionine 322 with threonine.
Molecular consequence: missense variant.
Genome position (GRCh38, 1-based): chr7:139,962,064, T>C. VCF-style: chr7-139962064-T-C. GRCh37 (hg19) VCF-style: chr7-139661863-T-C.
Other names: c.965T>C, p.Met322Thr (NM_001130966.5, NM_030984.6); c.1103T>C, p.Met368Thr (NM_001166253.4); c.764T>C, p.Met255Thr (NM_001166254.4); c.908T>C, p.Met303Thr (NM_001314028.4); c.782T>C, p.Met261Thr (NM_001366537.3); short protein forms M255T, M323T, M303T, M368T, M261T, M322T, M369T.
Identifiers: ClinVar variation 3650299 (VCV003650299.2).

ClinVar aggregate classification (germline): Uncertain significance (1 of 4 stars; one submission).

Submission:

Labcorp Genetics (formerly Invitae), Labcorp
Classification: Uncertain significance. Last evaluated: 2025-01-06. Review status: criteria provided, single submitter. Criteria: Invitae Variant Classification Sherloc (09022015). Collection method: clinical testing. Allele origin: germline.
Comment: This sequence change replaces methionine, which is neutral and non-polar, with threonine, which is neutral and polar, at codon 323 of the TBXAS1 protein (p.Met323Thr). This variant is present in population databases (rs774212687, gnomAD 0.003%). This variant has not been reported in the literature in individuals affected with TBXAS1-related conditions. Invitae Evidence Modeling of protein sequence and biophysical properties (such as structural, functional, and spatial information, amino acid conservation, physicochemical variation, residue mobility, and thermodynamic stability) indicates that this missense variant is not expected to disrupt TBXAS1 protein function with a negative predictive value of 95%. In summary, the available evidence is currently insufficient to determine the role of this variant in disease. Therefore, it has been classified as a Variant of Uncertain Significance.